The following is an entry in ClinVar:

ClinVar aggregate classification (germline): Uncertain significance (1 of 4 stars; one submission).

Conditions:
Familial cancer of breast. Also called: hereditary breast carcinoma; BREAST CANCER, FAMILIAL; Hereditary breast cancer. Identifiers: Orphanet 227535, MedGen C0346153, MONDO:0016419, OMIM 114480. Disease mechanism: loss of function.

Submission:

Labcorp Genetics (formerly Invitae), Labcorp
Classification: Uncertain significance for Familial cancer of breast. Last evaluated: 2025-03-31. Review status: criteria provided, single submitter. Criteria: Invitae Variant Classification Sherloc (09022015). Collection method: clinical testing. Allele origin: germline.
Comment: This sequence change replaces tyrosine, which is neutral and polar, with serine, which is neutral and polar, at codon 298 of the CHEK2 protein (p.Tyr298Ser). This variant is not present in population databases (gnomAD no frequency). This variant has not been reported in the literature in individuals affected with CHEK2-related conditions. ClinVar contains an entry for this variant (Variation ID: 2773248). An algorithm developed to predict the effect of missense changes on protein structure and function (PolyPhen-2) suggests that this variant is likely to be disruptive. In summary, the available evidence is currently insufficient to determine the role of this variant in disease. Therefore, it has been classified as a Variant of Uncertain Significance.

NM_007194.4(CHEK2):c.893A>C (p.Tyr298Ser)

Gene: CHEK2 (checkpoint kinase 2; minus strand). Cytogenetic location: 22q12.1.
Variant type: single nucleotide variant.
Coding change: c.893A>C on transcript NM_007194.4 (MANE Select); coding-DNA position 893, A replaced by C.
Protein change: p.Tyr298Ser; replaces tyrosine 298 with serine.
Molecular consequence: missense variant.
Genome position (GRCh38, 1-based): chr22:28,703,520, T>G on the plus strand (A>C on the coding strand, the complement: CHEK2 is on the minus strand). VCF-style: chr22-28703520-T-G. GRCh37 (hg19) VCF-style: chr22-29099508-T-G.
Other names: c.1022A>C, p.Tyr341Ser (NM_001005735.3); c.230A>C, p.Tyr77Ser (NM_001257387.3); c.692A>C, p.Tyr231Ser (NM_001349956.3); c.893A>C, p.Tyr298Ser (NM_145862.3); short protein forms Y231S, Y298S, Y341S, Y77S.
Identifiers: ClinVar variation 2773248 (VCV002773248.3), dbSNP rs1569128113, ClinGen allele CA411100997.
Genomic context (GRCh38, chr22:28,703,520, plus strand): 5'-AGCATTTGAATGGAAACAGAAATTTTTAAAAAGTTTACTACTTACAATTCCAAAACAATA[T>G]AATAATCTTCTGCATCAAAAAAGTTTTTAATCTTGATGATGCAAGGCTAAGAAGAGGGGG-3'
Protein context (NP_009125.1, residues 288-308): IKNFFDAEDY[Tyr298Ser]IVLELMEGGE